The following is an entry in ClinVar:

NM_000441.2(SLC26A4):c.617T>A (p.Leu206Ter)

Gene: SLC26A4 (solute carrier family 26 member 4; plus strand). Cytogenetic location: 7q22.3.
Variant type: single nucleotide variant.
Coding change: c.617T>A on transcript NM_000441.2 (MANE Select); coding-DNA position 617, T replaced by A.
Protein change: p.Leu206Ter; replaces leucine 206 with a stop codon.
Molecular consequence: nonsense.
Genome position (GRCh38, 1-based): chr7:107,674,961, T>A. VCF-style: chr7-107674961-T-A. GRCh37 (hg19) VCF-style: chr7-107315406-T-A.
Other names: short protein forms L206*.
Identifiers: ClinVar variation 1526244 (VCV001526244.2), dbSNP rs2129311933, ClinGen allele CA368830994.
Genomic context (GRCh38, chr7:107,674,961, plus strand): 5'-TCTCAGGCAAACATTTAATTTTTCTTTCCTTTTCCTTATCGTAGTTGATATTTGGTGGCT[T>A]GCAGATTGGATTCATAGTGAGGTACTTGGCAGATCCTTTGGTTGGTGGCTTCACAACAGC-3'

ClinVar aggregate classification (germline): Likely pathogenic. Review status: criteria provided, multiple submitters, no conflicts (2 of 4 stars). 2 submissions from 2 submitters: Likely pathogenic (2). Last evaluated 2024-12-20.

Conditions:
Sensorineural hearing loss disorder. Also called: Sensorineural Deafness; Sensorineural hearing loss; Sensorineural hearing impairment. Identifiers: MedGen C0018784, MeSH D006319, MONDO:0020678, HP:0000407.
Autosomal recessive nonsyndromic hearing loss 4 (DFNB4). Also called: Deafness, autosomal recessive 4, with enlarged vestibular aqueduct; FOXI1-Related Pendred Syndrome; KCNJ10-Related Pendred Syndrome; DEAFNESS, AUTOSOMAL RECESSIVE 4, WITH ENLARGED VESTIBULAR AQUEDUCT, DIGENIC; NEUROSENSORY NONSYNDROMIC RECESSIVE DEAFNESS 4; Nonsyndromic enlarged vestibular aqueduct (NSEVA). Identifiers: Orphanet 90636, MedGen C3538946, MONDO:0010933, OMIM 600791.

Allele frequency attached by ClinVar (database versions not stated): gnomAD exomes below 0.00001.
gnomAD v4.1: 2 of 1,614,080 alleles (0.00012%); highest among the groups gnomAD compares: South Asian, 0.0022%; no homozygotes.

Submissions (2):

Laboratory of Dr. Barbara Vona, University Medical Center Göttingen
Classification: Likely pathogenic for Sensorineural hearing loss disorder. Last evaluated: 2024-12-20. Review status: criteria provided, single submitter. Criteria: ClinGen HL ACMG Specifications v1. Collection method: clinical testing. Allele origin: germline. Affected: yes.

3billion
Classification: Likely pathogenic for Autosomal recessive nonsyndromic hearing loss 4. Last evaluated: 2022-03-22. Review status: criteria provided, single submitter. Criteria: ACMG Guidelines, 2015. Collection method: clinical testing. Allele origin: germline. Affected: yes. Observed: 1 heterozygote.
Comment: Stop-gained (nonsense): predicted to result in a loss or disruption of normal protein function through nonsense-mediated decay (NMD) or protein truncation. Multiple pathogenic variants are reported downstream of the variant. It is not observed in the gnomAD v2.1.1 dataset. Therefore, this variant is classified as likely pathogenic according to the recommendation of ACMG/AMP guideline.

Literature cited by the submitters: PubMed 40377830 (cited by Laboratory of Dr. Barbara Vona, University Medical Center Göttingen).